The following is an entry in ClinVar:

NM_001613.4(ACTA2):c.141G>A (p.Val47=)

Gene: ACTA2 (actin alpha 2, smooth muscle; minus strand). Cytogenetic location: 10q23.31.
Variant type: single nucleotide variant.
Coding change: c.141G>A on transcript NM_001613.4 (MANE Select); coding-DNA position 141, G replaced by A.
Protein change: p.Val47=; no amino-acid change (valine 47 retained).
Molecular consequence: synonymous variant. On other transcripts: intron variant (3).
Genome position (GRCh38, 1-based): chr10:88,947,375, C>T on the plus strand (G>A on the coding strand, the complement: ACTA2 is on the minus strand). VCF-style: chr10-88947375-C-T. GRCh37 (hg19) VCF-style: chr10-90707132-C-T.
Other names: c.141G>A, p.Val47= (NM_001141945.3, NM_001320855.2, NM_001406462.1 and 4 more transcripts); c.129+1427G>A (NM_001406467.1, NM_001406468.1, NM_001406469.1).
Identifiers: ClinVar variation 2774793 (VCV002774793.3), dbSNP rs1482943621, ClinGen allele CA470736635.
Genomic context (GRCh38, chr10:88,947,375, plus strand): 5'-CAGGATTCCTCTTTTGCTCTGTGCTTCGTCACCCACGTAGCTGTCTTTTTGTCCCATTCC[C>T]ACCATCACCCCCTAAAAAGGTTCAACACATTATGAGTCAGCATCTCCCAAAACTTGTGAA-3'
Protein context (NP_001604.1, residues 37-57): VGRPRHQGVM[Val47=]GMGQKDSYVG

ClinVar aggregate classification (germline): Likely benign. Review status: criteria provided, multiple submitters, no conflicts (2 of 4 stars). 2 submissions from 2 submitters: Likely benign (2). Last evaluated 2024-06-17.

Conditions:
Familial thoracic aortic aneurysm and aortic dissection (TAAD). Also called: Thoracic aortic aneurysms and dissections. Identifiers: Orphanet 91387, MedGen C4707243, MONDO:0019625.

gnomAD v4.1: 1 of 1,613,946 alleles (0.000062%); highest among the groups gnomAD compares: Admixed American, 0.0017%; no homozygotes.

Submissions (2):

All of Us Research Program, National Institutes of Health
Classification: Likely benign for Familial thoracic aortic aneurysm and aortic dissection. Last evaluated: 2024-06-17. Review status: criteria provided, single submitter. Criteria: ACMG Guidelines, 2015. Collection method: clinical testing. Allele origin: germline. Inheritance: Autosomal dominant inheritance. Observed: 1 variant allele, 1 heterozygote.
Comment: This study involves interpretation of variants in research participants for the purpose of population health screening. Participant phenotype was not available at the time of variant classification. Additional details can be found in publication PMID: 35346344, PMCID: PMC8962531

Color Diagnostics, LLC DBA Color Health
Classification: Likely benign for Familial thoracic aortic aneurysm and aortic dissection. Last evaluated: 2021-11-24. Review status: criteria provided, single submitter. Criteria: ACMG Guidelines, 2015. Collection method: clinical testing. Allele origin: germline.